The following is an entry in ClinVar:

ClinVar aggregate classification (germline): Uncertain significance (0 of 4 stars; one submission).

Conditions:
F5-related disorder. Also called: F5-related condition.

Allele frequency attached by ClinVar (database versions not stated): gnomAD exomes below 0.00001.
gnomAD v4.1: 4 of 1,613,420 alleles (0.00025%); highest among the groups gnomAD compares: Non-Finnish European, 0.00034%; no homozygotes.

Submission:

PreventionGenetics, part of Exact Sciences
Classification: Uncertain significance for F5-related condition. Last evaluated: 2023-12-04. Review status: no assertion criteria provided. Collection method: clinical testing. Allele origin: germline.
Comment: The F5 c.295A>C variant is predicted to result in the amino acid substitution p.Lys99Gln. To our knowledge, this variant has not been reported in the literature. This variant is reported in 0.00088% of alleles in individuals of European (Non-Finnish) descent in gnomAD. At this time, the clinical significance of this variant is uncertain due to the absence of conclusive functional and genetic evidence.

NM_000130.5(F5):c.295A>C (p.Lys99Gln)

Gene: F5 (coagulation factor V; minus strand). Cytogenetic location: 1q24.2.
Variant type: single nucleotide variant.
Coding change: c.295A>C on transcript NM_000130.5 (MANE Select); coding-DNA position 295, A replaced by C.
Protein change: p.Lys99Gln; replaces lysine 99 with glutamine.
Molecular consequence: missense variant.
Genome position (GRCh38, 1-based): chr1:169,572,299, T>G on the plus strand (A>C on the coding strand, the complement: F5 is on the minus strand). VCF-style: chr1-169572299-T-G. GRCh37 (hg19) VCF-style: chr1-169541537-T-G.
Other names: short protein forms K99Q.
Identifiers: ClinVar variation 3030332 (VCV003030332.2), dbSNP rs1298868363, ClinGen allele CA343142128.